The following is an entry in ClinVar:

ClinVar aggregate classification (germline): Uncertain significance (1 of 4 stars; one submission).

gnomAD v4.1: 1 of 1,614,082 alleles (0.000062%); highest among the groups gnomAD compares: Admixed American, 0.0017%; no homozygotes.

Submission:

Women's Health and Genetics/Laboratory Corporation of America, LabCorp
Classification: Uncertain significance. Last evaluated: 2024-05-01. Review status: criteria provided, single submitter. Criteria: LabCorp Variant Classification Summary - May 2015. Collection method: clinical testing. Allele origin: germline.
Comment: Variant summary: HLCS c.1532A>T (p.Asn511Ile) results in a non-conservative amino acid change located in the Biotinyl protein ligase (BPL) and lipoyl protein ligase (LPL), catalytic domain (IPR004143) of the encoded protein sequence. Five of five in-silico tools predict a damaging effect of the variant on protein function. The variant allele was found at a frequency of 4e-06 in 251426 control chromosomes. The available data on variant occurrences in the general population are insufficient to allow any conclusion about variant significance. c.1532A>T has been reported in the literature in one individual affected with Holocarboxylase Synthetase Deficiency (Donti_2016). These data do not allow any conclusion about variant significance. To our knowledge, no experimental evidence demonstrating an impact on protein function has been reported. The following publication have been ascertained in the context of this evaluation (PMID: 27114915). No submitters have cited clinical-significance assessments for this variant to ClinVar. Based on the evidence outlined above, the variant was classified as uncertain significance.

Literature cited by the submitters: PubMed 27114915.

NM_001352514.2(HLCS):c.1973A>T (p.Asn658Ile)

Gene: HLCS (holocarboxylase synthetase; minus strand). Cytogenetic location: 21q22.13.
Variant type: single nucleotide variant.
Coding change: c.1973A>T on transcript NM_001352514.2 (MANE Select); coding-DNA position 1973, A replaced by T.
Protein change: p.Asn658Ile; replaces asparagine 658 with isoleucine.
Molecular consequence: missense variant. On other transcripts: non-coding transcript variant (2).
Genome position (GRCh38, 1-based): chr21:36,765,160, T>A on the plus strand (A>T on the coding strand, the complement: HLCS is on the minus strand). VCF-style: chr21-36765160-T-A. GRCh37 (hg19) VCF-style: chr21-38137461-T-A.
Other names: c.1532A>T, p.Asn511Ile (NM_000411.8, NM_001242784.3, NM_001242785.2 and 4 more transcripts); short protein forms N511I, N658I.
Identifiers: ClinVar variation 3336293 (VCV003336293.1).